The following is an entry in ClinVar:

NM_000037.4(ANK1):c.3081C>G (p.Ser1027Arg)

Gene: ANK1 (ankyrin 1; minus strand). Cytogenetic location: 8p11.21.
Variant type: single nucleotide variant.
Coding change: c.3081C>G on transcript NM_000037.4 (MANE Select); coding-DNA position 3081, C replaced by G.
Protein change: p.Ser1027Arg; replaces serine 1027 with arginine.
Molecular consequence: missense variant.
Genome position (GRCh38, 1-based): chr8:41,695,211, G>C on the plus strand (C>G on the coding strand, the complement: ANK1 is on the minus strand). VCF-style: chr8-41695211-G-C. GRCh37 (hg19) VCF-style: chr8-41552729-G-C.
Other names: c.3204C>G, p.Ser1068Arg (NM_001142446.2); c.3081C>G, p.Ser1027Arg (NM_020475.3, NM_020476.3, NM_020477.3); short protein forms S1027R, S1068R.
Identifiers: ClinVar variation 2082388 (VCV002082388.4), dbSNP rs2486776635, ClinGen allele CA371061128.

ClinVar aggregate classification (germline): Pathogenic (1 of 4 stars; one submission).

Submission:

Labcorp Genetics (formerly Invitae), Labcorp
Classification: Pathogenic. Last evaluated: 2022-07-01. Review status: criteria provided, single submitter. Criteria: Invitae Variant Classification Sherloc (09022015). Collection method: clinical testing. Allele origin: germline.
Comment: For these reasons, this variant has been classified as Pathogenic. Algorithms developed to predict the effect of sequence changes on RNA splicing suggest that this variant may create or strengthen a splice site. Algorithms developed to predict the effect of missense changes on protein structure and function are either unavailable or do not agree on the potential impact of this missense change (SIFT: "Deleterious"; PolyPhen-2: "Benign"; Align-GVGD: "Class C0"). This missense change has been observed in individual(s) with clinical features of spherocytosis (Invitae). In at least one individual the variant was observed to be de novo. This variant is not present in population databases (gnomAD no frequency). This sequence change replaces serine, which is neutral and polar, with arginine, which is basic and polar, at codon 1027 of the ANK1 protein (p.Ser1027Arg).